The following is an entry in ClinVar:

NM_001267550.2(TTN):c.33G>A (p.Pro11=)

Gene: TTN (titin; minus strand). Cytogenetic location: 2q31.2.
Variant type: single nucleotide variant.
Coding change: c.33G>A on transcript NM_001267550.2 (MANE Select); coding-DNA position 33, G replaced by A.
Protein change: p.Pro11=; no amino-acid change (proline 11 retained).
Molecular consequence: synonymous variant.
Genome position (GRCh38, 1-based): chr2:178,804,610, C>T on the plus strand (G>A on the coding strand, the complement: TTN is on the minus strand). VCF-style: chr2-178804610-C-T. GRCh37 (hg19) VCF-style: chr2-179669337-C-T.
Other names: c.33G>A, p.Pro11= (NM_001256850.1, NM_003319.4, NM_133378.4 and 3 more transcripts).
Identifiers: ClinVar variation 46948 (VCV000046948.64), dbSNP rs138331646, ClinGen allele CA139601.
Genomic context (GRCh38, chr2:178,804,610, plus strand): 5'-ACCACTAATGTGAGCCTCAAAGGTTGCGGTACTACCCTCCAGTACCACAACGCTTTGTAA[C>T]GGCTGCGTAAACGTCGGTGCTTGAGTTGTCATCTTTCTAGGCACTCTGAAAAAGAAGAGA-3'
Protein context (NP_001254479.2, residues 1-21): MTTQAPTFTQ[Pro11=]LQSVVVLEGS

ClinVar aggregate classification (germline): Conflicting classifications of pathogenicity. Review status: criteria provided, conflicting classifications (1 of 4 stars). 20 submissions from 16 submitters: Uncertain significance (4); Benign (3); Likely benign (9). 4 of the submissions do not count toward it. Last evaluated 2026-01-18.

Conditions:
TTN-related disorder. Also called: TTN-related condition; TTN-related disease; TTN-related disorders.
Cardiovascular phenotype. Identifiers: MedGen CN230736.
Dilated cardiomyopathy 1G (CMD1G). Identifiers: Orphanet 154, MedGen C1858763, MONDO:0011400, OMIM 604145.
Autosomal recessive limb-girdle muscular dystrophy type 2J (LGMDR10). Also called: Limb-girdle muscular dystrophy, type 2J; MUSCULAR DYSTROPHY, LIMB-GIRDLE, AUTOSOMAL RECESSIVE 10. Identifiers: Orphanet 140922, MedGen C1837342, MONDO:0012127, OMIM 608807.
Cardiomyopathy (CMYO). Also called: Cardiomyopathies. Identifiers: Orphanet 167848, MedGen C0878544, MONDO:0004994, HP:0001638. Inheritance: Various modes of inheritance.
Early-onset myopathy with fatal cardiomyopathy (CMYO5). Also called: Salih Myopathy; CONGENITAL MYOPATHY 5 WITH CARDIOMYOPATHY. Identifiers: Orphanet 289377, MedGen C2673677, MONDO:0012714, OMIM 611705. Disease mechanism: loss of function.
Myopathy, myofibrillar, 9, with early respiratory failure (MFM9). Also called: Hereditary myopathy with early respiratory failure; Myopathy, distal, with early respiratory failure, autosomal dominant; EDSTROM MYOPATHY; MYOPATHY, PROXIMAL, WITH EARLY RESPIRATORY MUSCLE INVOLVEMENT. Identifiers: Orphanet 178464, Orphanet 34521, MedGen C1863599, MONDO:0011362, OMIM 603689.
Tibial muscular dystrophy (TMD). Also called: Udd Distal Myopathy – Tibial Muscular Dystrophy; Tibial muscular dystrophy, tardive; UDD MYOPATHY. Identifiers: Orphanet 609, MedGen C1838244, MONDO:0010870, OMIM 600334.

Allele frequency attached by ClinVar (database versions not stated): gnomAD exomes 0.00020 and 0.00071; TOPMed 0.00040; gnomAD 0.00043 and 0.00046; ESP Exome Variant Server 0.00046.
gnomAD v4.1: 1,081 of 1,613,834 alleles (0.067%); highest among the groups gnomAD compares: East Asian, 0.11%; no homozygotes.

Submissions (20):

Labcorp Genetics (formerly Invitae), Labcorp
Classification: Likely benign for Dilated cardiomyopathy 1G; Autosomal recessive limb-girdle muscular dystrophy type 2J. Last evaluated: 2026-01-18. Review status: criteria provided, single submitter. Criteria: Invitae Variant Classification Sherloc (09022015). Collection method: clinical testing. Allele origin: germline.

Molecular Diagnostic Laboratory for Inherited Cardiovascular Disease, Montreal Heart Institute
Classification: Likely benign. Last evaluated: 2025-04-09. Review status: criteria provided, single submitter. Criteria: ACMG Guidelines, 2015. Collection method: clinical testing. Allele origin: germline. Affected: no.

Blueprint Genetics
Classification: Likely benign. Last evaluated: 2024-08-06. Review status: criteria provided, single submitter. Criteria: ACMG Guidelines, 2015. Collection method: clinical testing. Allele origin: germline.

Revvity Omics, Revvity
Classification: Likely benign. Last evaluated: 2023-08-28. Review status: criteria provided, single submitter. Criteria: ACMG Guidelines, 2015. Collection method: clinical testing. Allele origin: germline.

CeGaT Center for Human Genetics Tuebingen
Classification: Likely benign. Last evaluated: 2022-11-01. Review status: criteria provided, single submitter. Criteria: CeGaT Center For Human Genetics Tuebingen Variant Classification Criteria Version 2. Collection method: clinical testing. Allele origin: germline. Affected: yes. Observed: 1 variant allele.
Comment: TTN: BP4

Women's Health and Genetics/Laboratory Corporation of America, LabCorp
Classification: Likely benign. Last evaluated: 2021-05-10. Review status: criteria provided, single submitter. Criteria: LabCorp Variant Classification Summary - May 2015. Collection method: clinical testing. Allele origin: germline.

Illumina Laboratory Services, Illumina
Classification: Uncertain significance for Autosomal recessive limb-girdle muscular dystrophy type 2J. Last evaluated: 2018-01-13. Review status: criteria provided, single submitter. Criteria: ICSL Variant Classification Criteria 13 December 2019. Collection method: clinical testing. Allele origin: germline.

Illumina Laboratory Services, Illumina
Classification: Benign for Tibial muscular dystrophy. Last evaluated: 2018-01-13. Review status: criteria provided, single submitter. Criteria: ICSL Variant Classification Criteria 13 December 2019. Collection method: clinical testing. Allele origin: germline.
Comment: This variant was observed in the ICSL laboratory as part of a predisposition screen in an ostensibly healthy population. It had not been previously curated by ICSL or reported in the Human Gene Mutation Database (HGMD: prior to June 1st, 2018), and was therefore a candidate for classification through an automated scoring system. Utilizing variant allele frequency, disease prevalence and penetrance estimates, and inheritance mode, an automated score was calculated to assess if this variant is too frequent to cause the disease. Based on the score and internal cut-off values, a variant classified as benign is not then subjected to further curation. The score for this variant resulted in a classification of benign for this disease.

Illumina Laboratory Services, Illumina
Classification: Uncertain significance for Early-onset myopathy with fatal cardiomyopathy. Last evaluated: 2018-01-13. Review status: criteria provided, single submitter. Criteria: ICSL Variant Classification Criteria 13 December 2019. Collection method: clinical testing. Allele origin: germline.

Illumina Laboratory Services, Illumina
Classification: Benign for Myopathy, myofibrillar, 9, with early respiratory failure. Last evaluated: 2018-01-13. Review status: criteria provided, single submitter. Criteria: ICSL Variant Classification Criteria 13 December 2019. Collection method: clinical testing. Allele origin: germline.
Comment: the same text as in the submission from Illumina Laboratory Services, Illumina above.

Illumina Laboratory Services, Illumina
Classification: Uncertain significance for Dilated cardiomyopathy 1G. Last evaluated: 2018-01-13. Review status: criteria provided, single submitter. Criteria: ICSL Variant Classification Criteria 13 December 2019. Collection method: clinical testing. Allele origin: germline.

CHEO Genetics Diagnostic Laboratory, Children's Hospital of Eastern Ontario
Classification: Likely benign for Cardiomyopathy. Last evaluated: 2017-08-28. Review status: criteria provided, single submitter. Criteria: ACMG Guidelines, 2015. Collection method: clinical testing. Allele origin: germline. Study: Canadian Open Genetics Repository.

Ambry Genetics
Classification: Likely benign for Cardiovascular phenotype. Last evaluated: 2017-03-27. Review status: criteria provided, single submitter. Criteria: Ambry Variant Classification Scheme 2023. Collection method: clinical testing. Allele origin: germline.

GeneDx
Classification: Benign. Last evaluated: 2017-02-03. Review status: criteria provided, single submitter. Criteria: GeneDx Variant Classification (06012015). Collection method: clinical testing. Allele origin: germline. Affected: yes.
Comment: This variant is considered likely benign or benign based on one or more of the following criteria: it is a conservative change, it occurs at a poorly conserved position in the protein, it is predicted to be benign by multiple in silico algorithms, and/or has population frequency not consistent with disease.

Eurofins Ntd Llc (ga)
Classification: Uncertain significance. Last evaluated: 2015-08-18. Review status: criteria provided, single submitter. Criteria: EGL Classification Definitions 2015. Collection method: clinical testing. Allele origin: germline. Observed: 4 variant alleles, 4 heterozygotes.

Laboratory for Molecular Medicine, Mass General Brigham Personalized Medicine
Classification: Likely benign. Last evaluated: 2012-03-19. Review status: criteria provided, single submitter. Criteria: LMM Criteria. Collection method: clinical testing. Allele origin: germline. Observed: 2 variant alleles.
Comment: Pro11Pro in exon 2 of TTN: This variant is not expected to have clinical signifi cance because it does not alter an amino acid residue, and is not located within the splice consensus sequence. It has been identified in 2/7020 European Americ an chromosomes from a broad population by the NHLBI Exome Sequencing Project (dbSNP rs138331646). Pro11Pro in exon 2 of TTN ( rs138331646; allele frequency = 2/7020) **

PreventionGenetics, part of Exact Sciences
Classification: Likely benign for TTN-related condition. Last evaluated: 2019-12-16. Review status: no assertion criteria provided. Collection method: clinical testing. Allele origin: germline. Not counted in ClinVar's aggregate classification.
Comment: This variant is classified as likely benign based on ACMG/AMP sequence variant interpretation guidelines (Richards et al. 2015 PMID: 25741868, with internal and published modifications).

Clinical Genetics, Academic Medical Center
Classification: Benign. Review status: no assertion criteria provided. Collection method: clinical testing. Allele origin: germline. Affected: yes. Study: VKGL Data-share Consensus. Not counted in ClinVar's aggregate classification.

Diagnostic Laboratory, Department of Genetics, University Medical Center Groningen
Classification: Likely benign. Review status: no assertion criteria provided. Collection method: clinical testing. Allele origin: germline. Affected: yes. Study: VKGL Data-share Consensus. Not counted in ClinVar's aggregate classification.

Joint Genome Diagnostic Labs from Nijmegen and Maastricht, Radboudumc and MUMC+
Classification: Likely benign. Review status: no assertion criteria provided. Collection method: clinical testing. Allele origin: germline. Affected: yes. Study: VKGL Data-share Consensus. Not counted in ClinVar's aggregate classification.